The following is an entry in ClinVar:

NM_002691.4(POLD1):c.2793G>A (p.Lys931=)

Gene: POLD1 (DNA polymerase delta 1, catalytic subunit; plus strand). Cytogenetic location: 19q13.33.
Variant type: single nucleotide variant.
Coding change: c.2793G>A on transcript NM_002691.4 (MANE Select); coding-DNA position 2793, G replaced by A.
Protein change: p.Lys931=; no amino-acid change (lysine 931 retained).
Molecular consequence: synonymous variant.
Genome position (GRCh38, 1-based): chr19:50,415,799, G>A. VCF-style: chr19-50415799-G-A. GRCh37 (hg19) VCF-style: chr19-50919056-G-A.
Other names: c.2793G>A, p.Lys931= (NM_001256849.1); c.2871G>A, p.Lys957= (NM_001308632.1); c.2793G>A (NM_002691.2).
Identifiers: ClinVar variation 1106105 (VCV001106105.10), dbSNP rs2039265074, ClinGen allele CA508305159.

ClinVar aggregate classification (germline): Conflicting classifications of pathogenicity. Review status: criteria provided, conflicting classifications (1 of 4 stars). 2 submissions from 2 submitters: Uncertain significance (1); Likely benign (1). Last evaluated 2025-04-23.

Conditions:
POLD1-related polyposis and colorectal cancer syndrome (CRCS10). Also called: Colorectal cancer, susceptibility to, 10; Colorectal cancer 10; COLORECTAL CANCER, SUSCEPTIBILITY TO, ON CHROMOSOME 19q. Identifiers: Orphanet 220460, MedGen C2675481, MONDO:0012953, OMIM 612591.
Hereditary cancer-predisposing syndrome. Also called: Hereditary neoplastic syndrome; Neoplastic Syndromes, Hereditary; Tumor predisposition; Hereditary Cancer Syndrome. Identifiers: Orphanet 140162, MedGen C0027672, MeSH D009386, MONDO:0015356.

Submissions (2):

Ambry Genetics
Classification: Uncertain significance for Hereditary cancer-predisposing syndrome. Last evaluated: 2025-04-23. Review status: criteria provided, single submitter. Criteria: Ambry Variant Classification Scheme 2023. Collection method: clinical testing. Allele origin: germline.
Comment: The c.2793G>A variant (also known as p.K931K), located in coding exon 21 of the POLD1 gene, results from a G to A substitution at nucleotide position 2793. This nucleotide substitution does not change the lysine at codon 931. This nucleotide position is not well conserved in available vertebrate species. In silico splice site analysis predicts that this alteration will result in the creation or strengthening of a novel splice donor site. Based on the available evidence, the clinical significance of this variant remains unclear.

Labcorp Genetics (formerly Invitae), Labcorp
Classification: Likely benign for POLD1-related polyposis and colorectal cancer syndrome. Last evaluated: 2020-03-31. Review status: criteria provided, single submitter. Criteria: Invitae Variant Classification Sherloc (09022015). Collection method: clinical testing. Allele origin: germline.